The following is an entry in ClinVar:

ClinVar aggregate classification (germline): Uncertain significance (1 of 4 stars; one submission).

Conditions:
Tuberous sclerosis 2 (TSC2). Identifiers: Orphanet 805, MedGen C1860707, MONDO:0013199, OMIM 613254.

Submission:

Labcorp Genetics (formerly Invitae), Labcorp
Classification: Uncertain significance for Tuberous sclerosis 2. Last evaluated: 2020-12-03. Review status: criteria provided, single submitter. Criteria: Invitae Variant Classification Sherloc (09022015). Collection method: clinical testing. Allele origin: germline.
Comment: This sequence change replaces alanine with valine at codon 107 of the TSC2 protein (p.Ala107Val). The alanine residue is moderately conserved and there is a small physicochemical difference between alanine and valine. This variant is not present in population databases (ExAC no frequency). This variant has not been reported in the literature in individuals with TSC2-related conditions. Advanced modeling of protein sequence and biophysical properties (such as structural, functional, and spatial information, amino acid conservation, physicochemical variation, residue mobility, and thermodynamic stability) performed at Invitae indicates that this missense variant is not expected to disrupt TSC2 protein function. Algorithms developed to predict the effect of sequence changes on RNA splicing suggest that this variant may create or strengthen a splice site, but this prediction has not been confirmed by published transcriptional studies. In summary, the available evidence is currently insufficient to determine the role of this variant in disease. Therefore, it has been classified as a Variant of Uncertain Significance.

NM_000548.5(TSC2):c.320C>T (p.Ala107Val)

Gene: TSC2 (TSC complex subunit 2; plus strand). Cytogenetic location: 16p13.3.
Variant type: single nucleotide variant.
Coding change: c.320C>T on transcript NM_000548.5 (MANE Select); coding-DNA position 320, C replaced by T.
Protein change: p.Ala107Val; replaces alanine 107 with valine.
Molecular consequence: missense variant. On other transcripts: intron variant (2).
Genome position (GRCh38, 1-based): chr16:2,053,436, C>T. VCF-style: chr16-2053436-C-T. GRCh37 (hg19) VCF-style: chr16-2103437-C-T.
Other names: c.320C>T, p.Ala107Val (NM_001077183.3, NM_001114382.3, NM_001363528.2 and 3 more transcripts); c.173C>T, p.Ala58Val (NM_001318829.2); c.353C>T, p.Ala118Val (NM_001318832.2); c.226-860C>T (NM_001318827.2); c.-1-2760C>T (NM_001318831.2); short protein forms A118V, A107V, A58V.
Identifiers: ClinVar variation 1400336 (VCV001400336.8), dbSNP rs2085374926, ClinGen allele CA394305985.